The following is an entry in ClinVar:

NM_004006.3(DMD):c.1803A>T (p.Gln601His)

Gene: DMD (dystrophin; minus strand). Cytogenetic location: Xp21.1.
Variant type: single nucleotide variant.
Coding change: c.1803A>T on transcript NM_004006.3 (MANE Select); coding-DNA position 1803, A replaced by T.
Protein change: p.Gln601His; replaces glutamine 601 with histidine.
Molecular consequence: missense variant.
Genome position (GRCh38, 1-based): chrX:32,573,539, T>A on the plus strand (A>T on the coding strand, the complement: DMD is on the minus strand). VCF-style: chrX-32573539-T-A. GRCh37 (hg19) VCF-style: chrX-32591656-T-A.
Other names: c.1779A>T, p.Gln593His (NM_000109.4); c.1791A>T, p.Gln597His (NM_004009.3); c.1434A>T, p.Gln478His (NM_004010.3); short protein forms Q478H, Q593H, Q597H, Q601H.
Identifiers: ClinVar variation 5041560 (VCV005041560.1).

ClinVar aggregate classification (germline): Likely benign (1 of 4 stars; one submission).

Submission:

CeGaT Center for Human Genetics Tuebingen
Classification: Likely benign. Last evaluated: 2026-09-01. Review status: criteria provided, single submitter. Criteria: CeGaT Center For Human Genetics Tuebingen Variant Classification Criteria Version 2. Collection method: clinical testing. Allele origin: germline. Affected: yes. Observed: 1 variant allele.
Comment: DMD: BP4, BS2